The following is an entry in ClinVar:

NM_007254.4(PNKP):c.634A>G (p.Lys212Glu)

Gene: PNKP (polynucleotide kinase 3'-phosphatase; minus strand). Cytogenetic location: 19q13.33.
Variant type: single nucleotide variant.
Coding change: c.634A>G on transcript NM_007254.4 (MANE Select); coding-DNA position 634, A replaced by G.
Protein change: p.Lys212Glu; replaces lysine 212 with glutamic acid.
Molecular consequence: missense variant.
Genome position (GRCh38, 1-based): chr19:49,864,181, T>C on the plus strand (A>G on the coding strand, the complement: PNKP is on the minus strand). VCF-style: chr19-49864181-T-C. GRCh37 (hg19) VCF-style: chr19-50367438-T-C.
Other names: short protein forms K212E.
Identifiers: ClinVar variation 1304508 (VCV001304508.7), dbSNP rs762187891, ClinGen allele CA9586867.
Genomic context (GRCh38, chr19:49,864,181, plus strand): 5'-CTGACTGCGGTCGGACCGCCACGTGCACGTGCCCATGCAGACAGGCGGCTGCACATACCT[T>C]GTAGCCCTCGGCTTCCAGCTCTCGGAGCTTACGGGGAATCTCTGGGTACAAGATCCTACG-3'
Protein context (NP_009185.2, residues 202-222): KLRELEAEGY[Lys212Glu]LVIFTNQMSI

ClinVar aggregate classification (germline): Uncertain significance. Review status: criteria provided, multiple submitters, no conflicts (2 of 4 stars). 2 submissions from 2 submitters: Uncertain significance (2). Last evaluated 2024-10-21.

Conditions:
Developmental and epileptic encephalopathy, 12 (DEE12). Identifiers: MedGen C3150988, MONDO:0013389, OMIM 613722.

Allele frequency attached by ClinVar (database versions not stated): gnomAD exomes below 0.00001; ExAC 0.00001; gnomAD 0.00001.
gnomAD v4.1: 1 of 1,614,000 alleles (0.000062%); highest among the groups gnomAD compares: African/African-American, 0.0013%; no homozygotes.

Submissions (2):

Labcorp Genetics (formerly Invitae), Labcorp
Classification: Uncertain significance for Developmental and epileptic encephalopathy, 12. Last evaluated: 2024-10-21. Review status: criteria provided, single submitter. Criteria: Invitae Variant Classification Sherloc (09022015). Collection method: clinical testing. Allele origin: germline.
Comment: This sequence change replaces lysine, which is basic and polar, with glutamic acid, which is acidic and polar, at codon 212 of the PNKP protein (p.Lys212Glu). This variant is not present in population databases (gnomAD no frequency). This variant has not been reported in the literature in individuals affected with PNKP-related conditions. ClinVar contains an entry for this variant (Variation ID: 1304508). An algorithm developed to predict the effect of missense changes on protein structure and function (PolyPhen-2) suggests that this variant is likely to be disruptive. In summary, the available evidence is currently insufficient to determine the role of this variant in disease. Therefore, it has been classified as a Variant of Uncertain Significance.

GeneDx
Classification: Uncertain significance. Last evaluated: 2020-11-23. Review status: criteria provided, single submitter. Criteria: GeneDx Variant Classification Process June 2021. Collection method: clinical testing. Allele origin: germline. Affected: yes.
Comment: Not observed at a significant frequency in large population cohorts (Lek et al., 2016); In silico analysis supports that this missense variant has a deleterious effect on protein structure/function; Has not been previously published as pathogenic or benign to our knowledge